The following continues an entry in ClinVar:

NM_001110219.3(GJB6):c.31G>A (p.Gly11Arg)

Gene: GJB6. ClinVar aggregate classification (germline): Pathogenic. Pathogenic (15).

Submissions 9 to 16 of 16:

GeneDx
Classification: Pathogenic. Last evaluated: 2023-06-29. Review status: criteria provided, single submitter. Criteria: GeneDx Variant Classification Process June 2021. Collection method: clinical testing. Allele origin: germline. Affected: yes.
Comment: One of the most common, recurrent GJB6 pathogenic variants causing hidrotic ectodermal dysplasia, located in the cytoplasmic amino-terminus of the gap junction protein connexin 30; Functional in vitro studies have shown that G11R impairs trafficking of connexin 30 to the cell membrane, and forms gap junctions in keratinocyte cultures when co-expressed with other connexins (Di et al., 2005); other studies demonstrate gain of hemichannel function with leakage of ATP into the extracellular medium, increased cell apoptosis, and altered cell proliferation (Essenfelder et al. 2004; Lu Y at al., 2018); Same amino acid substitution caused by a different nucleotide change (c.31 G>C) has been reported as pathogenic in the published literature in association with hidrotic ectodermal dysplasia (Fujimoto et al., 2013; Kutkowska-Kazmierczak et al., 2015); In silico analysis supports that this missense variant has a deleterious effect on protein structure/function; This variant is associated with the following publications: (PMID: 12419304, 23926005, 24514865, 11017065, 27817781, 12788524, 27643550, 23219093, 20536673, 30043857, 30983611, 15213106, 36147510, 33074302, 23981984, 15769851, 25575739)

Laboratorio de Genetica e Diagnostico Molecular, Hospital Israelita Albert Einstein
Classification: Pathogenic for Hidrotic ectodermal dysplasia syndrome. Last evaluated: 2022-12-02. Review status: criteria provided, single submitter. Criteria: ACMG Guidelines, 2015. Collection method: clinical testing. Allele origin: germline. Affected: yes. Observed: 1 variant allele.
Comment: ACMG classification criteria: PS1 strong, PS3 supporting, PS4 strong, PM2 supporting, PP1 strong, PP3 supporting

Genetics and Molecular Pathology, SA Pathology
Classification: Pathogenic for Hidrotic ectodermal dysplasia syndrome. Last evaluated: 2022-11-04. Review status: criteria provided, single submitter. Criteria: ACMG Guidelines, 2015. Collection method: clinical testing. Allele origin: germline. Inheritance: Autosomal dominant inheritance. Affected: yes.
Comment: The GJB6 c.31G>A variant is classified as a PATHOGENIC variant (PS4, PS3_supporting, PP1_moderate, PM2, PP3) The variant is a single nucleotide change in exon 5/5 of the GJB6 gene, which is predicted to change the amino acid glycine at position 11 in the protein to arginine. This is a recurrent pathogenic variant in the GJB6 gene. This variant has been previously reported in more than 10 unrelated individuals affected with Clouston syndrome and segregated with disease in affected family members in multiple families (PMID: 11017065, 20536673) (PS4) (PP1_moderate). Functional studies have demonstrated that this variant causes gain of hemichannel function, resulting in increased cells apoptosis and altered cell proliferation (PMID: 12419304, 15213106) (PS3_supporting). This variant is in dbSNP (rs104894415) but is rare in population databases (gnomAD: 1/152118, 0 homozygote) (PM2). This variant has been reported in ClinVar (Variation ID: 5544) and HGMD (Accession no: CM002605) as pathogenic/ disease causing. Computational predictions support a deleterious effect on the gene or gene product (PP3).

Institute of Human Genetics, University of Leipzig Medical Center
Classification: Pathogenic for Hidrotic ectodermal dysplasia syndrome. Last evaluated: 2019-11-01. Review status: criteria provided, single submitter. Criteria: ACMG Guidelines, 2015. Collection method: clinical testing. Allele origin: germline. Affected: yes. Observed: 1 variant allele.

Laboratory for Molecular Medicine, Mass General Brigham Personalized Medicine
Classification: Pathogenic for Hidrotic ectodermal dysplasia syndrome. Last evaluated: 2014-02-01. Review status: criteria provided, single submitter. Criteria: LMM Criteria. Collection method: clinical testing. Allele origin: germline. Inheritance: Autosomal dominant inheritance. Observed: 2 variant alleles.
Comment: The p.Gly11Arg variant in GJB6 is one of the four pathogenic variant associated with hidrotic ectodermal dysplasia 2 (Clouston syndrome, HED2) and has been repo rted in >10 individuals with HED2 and segregated with disease in >30 affected fa mily members (Chen 2010, Common 2002, Fujimoto 2013, Lamartine 2000). In additi on, this variant has not been identified in large population studies. In summary , this variant meets our criteria to be classified as pathogenic.

Clinical Genetics Service, Universitary Hospital 12 de Octubre
Classification: Pathogenic for Autosomal dominant nonsyndromic hearing loss 3B. Review status: criteria provided, single submitter. Criteria: ACMG Guidelines, 2015. Collection method: clinical testing. Allele origin: germline. Affected: yes.

Rady Children's Institute for Genomic Medicine, Rady Children's Hospital San Diego
Classification: Pathogenic for GJB6-related disorder. Review status: criteria provided, single submitter. Criteria: ACMG Guidelines, 2015. Collection method: clinical testing. Allele origin: germline. Affected: yes.
Comment: This variant has been previously reported as a heterozygous change in patients with Ectodermal dysplasia 2, Clouston type (PMID: 11017065, 12419304, 12788524, 15213106, 15769851, 23926005, 23981984, 24514865, 20301379, 26551294). Functional studies have demonstrated a deleterious effect on protein function (PMID: 12419304, 15213106, 15769851). It is present in the heterozygous state in the gnomAD population database at a frequency of 0.00039% (1/250650) and thus is presumed to be rare. The c.31G>A (p.Gly11Arg) variant affects a highly conserved amino acid and is predicted by multiple in silico tools to have a deleterious effect on protein function. Based on the available evidence, the c.31G>A (p.Gly11Arg) variant is classified as Pathogenic.

OMIM
Classification: Pathogenic for ECTODERMAL DYSPLASIA, HIDROTIC. Last evaluated: 2000-10-01. Review status: no assertion criteria provided. Collection method: literature only. Allele origin: germline. Not counted in ClinVar's aggregate classification.

Literature cited by the submitters: PubMed 11017065 (cited by 5 submitters); PubMed 12788524 (cited by Ambry Genetics and Labcorp Genetics (formerly Invitae), Labcorp); PubMed 23981984 (cited by Ambry Genetics and Labcorp Genetics (formerly Invitae), Labcorp); PubMed 24514865 (cited by Ambry Genetics and Labcorp Genetics (formerly Invitae), Labcorp); PubMed 30983611 (cited by Ambry Genetics); PubMed 23926005 (cited by Labcorp Genetics (formerly Invitae), Labcorp); PubMed 26551294 (cited by Labcorp Genetics (formerly Invitae), Labcorp); PubMed 27817781 (cited by Labcorp Genetics (formerly Invitae), Labcorp); PubMed 12419304 (cited by 3 submitters); PubMed 15213106 (cited by 4 submitters); PubMed 15769851 (cited by Labcorp Genetics (formerly Invitae), Labcorp and Laboratory for Molecular Medicine, Mass General Brigham Personalized Medicine); PubMed 10471490 (cited by Victorian Clinical Genetics Services, Murdoch Childrens Research Institute); PubMed 36926140 (cited by Victorian Clinical Genetics Services, Murdoch Childrens Research Institute); PubMed 20536673 (cited by Genetics and Molecular Pathology, SA Pathology and Laboratory for Molecular Medicine, Mass General Brigham Personalized Medicine); PubMed 23219093 (cited by Laboratory for Molecular Medicine, Mass General Brigham Personalized Medicine).